The following is an entry in ClinVar:

ClinVar aggregate classification (germline): Uncertain significance. Review status: criteria provided, multiple submitters, no conflicts (2 of 4 stars). 2 submissions from 2 submitters: Uncertain significance (2). Last evaluated 2026-03-06.

gnomAD v4.1: 32 of 1,612,292 alleles (0.002%); highest among the groups gnomAD compares: Non-Finnish European, 0.0025%; no homozygotes.

Submissions (2):

Women's Health and Genetics/Laboratory Corporation of America, LabCorp
Classification: Uncertain significance. Last evaluated: 2026-03-06. Review status: criteria provided, single submitter. Criteria: LabCorp Variant Classification Summary - May 2015. Collection method: clinical testing. Allele origin: germline.
Comment: Variant summary: TTN c.45802C>T (p.Arg15268Cys) results in a non-conservative amino acid change in the encoded protein sequence. Algorithms developed to predict the effect of missense changes on protein structure and function all suggest that this variant is likely to be disruptive. The variant allele was found at a frequency of 8.1e-06 in 247746 control chromosomes. The available data on variant occurrences in the general population are insufficient to allow any conclusion about variant significance. c.45802C>T has been observed in an individual who suffered a sudden unexplained death, without strong evidence of causality (Iglesias_2021). These report does not provide unequivocal conclusions about association of the variant with Dilated Cardiomyopathy or other TTN-related conditions. To our knowledge, no experimental evidence demonstrating an impact on protein function has been reported. The following publication has been ascertained in the context of this evaluation (PMID: 33919104). ClinVar contains an entry for this variant (Variation ID: 4682294). Based on the evidence outlined above, the variant was classified as uncertain significance.

Athena Diagnostics
Classification: Uncertain significance. Last evaluated: 2025-10-27. Review status: criteria provided, single submitter. Criteria: Athena Diagnostics Criteria. Collection method: clinical testing. Allele origin: unknown.
Comment: Available data are insufficient to determine the clinical significance of the variant at this time. The frequency of this variant in the general population is uninformative in assessment of its pathogenicity. Polyphen and MutationTaster yielded discordant predictions regarding whether this amino acid change is damaging to the protein.

Literature cited by the submitters: PubMed 33919104 (cited by Women's Health and Genetics/Laboratory Corporation of America, LabCorp).

NM_001267550.2(TTN):c.53506C>T (p.Arg17836Cys)

Genes: TTN (titin; minus strand), TTN-AS1 (TTN antisense RNA 1; plus strand). Cytogenetic location: 2q31.2.
Variant type: single nucleotide variant.
Coding change: c.53506C>T on transcript NM_001267550.2 (MANE Select); coding-DNA position 53506, C replaced by T.
Protein change: p.Arg17836Cys; replaces arginine 17836 with cysteine.
Molecular consequence: missense variant.
Genome position (GRCh38, 1-based): chr2:178,607,096, G>A on the plus strand (C>T on the coding strand, the complement: TTN is on the minus strand). VCF-style: chr2-178607096-G-A. GRCh37 (hg19) VCF-style: chr2-179471823-G-A.
Other names: c.48583C>T, p.Arg16195Cys (NM_001256850.1); c.26311C>T, p.Arg8771Cys (NM_003319.4); c.45802C>T, p.Arg15268Cys (NM_133378.4); c.26686C>T, p.Arg8896Cys (NM_133432.3); c.26887C>T, p.Arg8963Cys (NM_133437.4); short protein forms R15268C, R16195C, R17836C, R8771C, R8896C, R8963C.
Identifiers: ClinVar variation 4682294 (VCV004682294.2).